The following is an entry in ClinVar:

NM_000257.4(MYH7):c.3896C>G (p.Ser1299Cys)

Gene: MYH7 (myosin heavy chain 7; minus strand). Cytogenetic location: 14q11.2.
Variant type: single nucleotide variant.
Coding change: c.3896C>G on transcript NM_000257.4 (MANE Select); coding-DNA position 3896, C replaced by G.
Protein change: p.Ser1299Cys; replaces serine 1299 with cysteine.
Molecular consequence: missense variant.
Genome position (GRCh38, 1-based): chr14:23,419,253, G>C on the plus strand (C>G on the coding strand, the complement: MYH7 is on the minus strand). VCF-style: chr14-23419253-G-C. GRCh37 (hg19) VCF-style: chr14-23888462-G-C.
Other names: short protein forms S1299C.
Identifiers: ClinVar variation 1362469 (VCV001362469.8), dbSNP rs2138651446, ClinGen allele CA389041669.

ClinVar aggregate classification (germline): Uncertain significance (1 of 4 stars; one submission).

Conditions:
Hypertrophic cardiomyopathy. Also called: HYPERTROPHIC MYOCARDIOPATHY. Identifiers: Orphanet 217569, MedGen C0007194, MeSH D002312, MONDO:0005045, HP:0001639.

Submission:

Labcorp Genetics (formerly Invitae), Labcorp
Classification: Uncertain significance for Hypertrophic cardiomyopathy. Last evaluated: 2021-08-05. Review status: criteria provided, single submitter. Criteria: Invitae Variant Classification Sherloc (09022015). Collection method: clinical testing. Allele origin: germline.
Comment: Algorithms developed to predict the effect of missense changes on protein structure and function are either unavailable or do not agree on the potential impact of this missense change (SIFT: "Deleterious"; PolyPhen-2: "Probably Damaging"; Align-GVGD: "Class C0"). This sequence change replaces serine with cysteine at codon 1299 of the MYH7 protein (p.Ser1299Cys). The serine residue is moderately conserved and there is a moderate physicochemical difference between serine and cysteine. This variant is not present in population databases (ExAC no frequency). This variant has not been reported in the literature in individuals with MYH7-related conditions. In summary, the available evidence is currently insufficient to determine the role of this variant in disease. Therefore, it has been classified as a Variant of Uncertain Significance.